The following is an entry in ClinVar:

NM_001243133.2(NLRP3):c.2855C>A (p.Thr952Lys)

Gene: NLRP3 (NLR family pyrin domain containing 3; plus strand). Cytogenetic location: 1q44.
Variant type: single nucleotide variant.
Coding change: c.2855C>A on transcript NM_001243133.2 (MANE Select); coding-DNA position 2855, C replaced by A.
Protein change: p.Thr952Lys; replaces threonine 952 with lysine.
Molecular consequence: missense variant.
Genome position (GRCh38, 1-based): chr1:247,444,671, C>A. VCF-style: chr1-247444671-C-A. GRCh37 (hg19) VCF-style: chr1-247607973-C-A.
Other names: c.2855C>A, p.Thr952Lys (NM_001079821.3); c.2684C>A, p.Thr895Lys (NM_001127461.3, NM_001127462.3); c.2861C>A, p.Thr954Lys (NM_004895.5); c.2513C>A, p.Thr838Lys (NM_183395.3); short protein forms T838K, T895K, T952K, T954K.
Identifiers: ClinVar variation 1303185 (VCV001303185.2), dbSNP rs139814109, ClinGen allele CA1495381.
Genomic context (GRCh38, chr1:247,444,671, plus strand): 5'-GTTAAGGGGACATTTTCTTTAAATCACCCCCTTTTTGCAGATTAGACAACTGCAACCTCA[C>A]GTCACACTGCTGCTGGGATCTTTCCACACTTCTGACCTCCAGCCAGAGCCTGCGAAAGCT-3'
Protein context (NP_001230062.1, residues 942-962): QVLELDNCNL[Thr952Lys]SHCCWDLSTL

ClinVar aggregate classification (germline): Uncertain significance (1 of 4 stars; one submission).

gnomAD v4.1: 1 of 1,614,078 alleles (0.000062%); highest among the groups gnomAD compares: South Asian, 0.0011%; no homozygotes.

Submission:

GeneDx
Classification: Uncertain significance. Last evaluated: 2019-10-17. Review status: criteria provided, single submitter. Criteria: GeneDx Variant Classification Process June 2021. Collection method: clinical testing. Allele origin: germline. Affected: yes.
Comment: Has not been previously published as pathogenic or benign to our knowledge; Not observed at a significant frequency in large population cohorts (Lek et al., 2016); In silico analysis, which includes protein predictors and evolutionary conservation, supports a deleterious effect